The following is an entry in ClinVar:

NM_152383.5(DIS3L2):c.2243G>C (p.Arg748Pro)

Gene: DIS3L2 (DIS3 like 3'-5' exoribonuclease 2; plus strand). Cytogenetic location: 2q37.1.
Variant type: single nucleotide variant.
Coding change: c.2243G>C on transcript NM_152383.5 (MANE Select); coding-DNA position 2243, G replaced by C.
Protein change: p.Arg748Pro; replaces arginine 748 with proline.
Molecular consequence: missense variant. On other transcripts: non-coding transcript variant (2), intron variant (1).
Genome position (GRCh38, 1-based): chr2:232,334,453, G>C. VCF-style: chr2-232334453-G-C. GRCh37 (hg19) VCF-style: chr2-233199163-G-C.
Other names: c.1582-8892G>C (NM_001257281.2); short protein forms R748P.
Identifiers: ClinVar variation 1974647 (VCV001974647.5), dbSNP rs372537171, ClinGen allele CA350977784.

ClinVar aggregate classification (germline): Uncertain significance (1 of 4 stars; one submission).

Conditions:
Perlman syndrome (PRLMNS). Identifiers: Orphanet 2849, MedGen C0796113, MONDO:0009965, OMIM 267000.

Submission:

Labcorp Genetics (formerly Invitae), Labcorp
Classification: Uncertain significance for Perlman syndrome. Last evaluated: 2022-09-29. Review status: criteria provided, single submitter. Criteria: Invitae Variant Classification Sherloc (09022015). Collection method: clinical testing. Allele origin: germline.
Comment: Advanced modeling of protein sequence and biophysical properties (such as structural, functional, and spatial information, amino acid conservation, physicochemical variation, residue mobility, and thermodynamic stability) performed at Invitae indicates that this missense variant is expected to disrupt DIS3L2 protein function. This variant has not been reported in the literature in individuals affected with DIS3L2-related conditions. In summary, the available evidence is currently insufficient to determine the role of this variant in disease. Therefore, it has been classified as a Variant of Uncertain Significance. This variant is not present in population databases (gnomAD no frequency). This sequence change replaces arginine, which is basic and polar, with proline, which is neutral and non-polar, at codon 748 of the DIS3L2 protein (p.Arg748Pro).